The following is an entry in ClinVar:

ClinVar aggregate classification (germline): Pathogenic (1 of 4 stars; one submission).

Submission:

ISCA site 14
Classification: Pathogenic. Last evaluated: 2011-08-12. Review status: criteria provided, single submitter. Criteria: Kaminsky et al. (Genet Med. 2011). Collection method: clinical testing. Allele origin: unknown. Affected: yes. Observed: 1 variant allele.
Comment: Copy number variation identified through the course of routine clinical cytogenomic testing in postnatal populations. Clinical assertions have been curated as described in Kaminsky et al. 2011.

GRCh38/hg38 9p24.3-13.1(chr9:204193-38815478)x3

Genes: ACER2 (alkaline ceramidase 2; plus strand), ACO1 (aconitase 1; plus strand), ADAMTSL1 (ADAMTS like 1; plus strand), AK3 (adenylate kinase 3; minus strand), ALDH1B1 (aldehyde dehydrogenase 1 family member B1; plus strand) and 901 more. Cytogenetic location: 9p24.3-13.1.
Variant type: copy number gain.
Change: copy number 3 (three copies instead of two) of chr9:204,193-38,815,478 (38.61 Mb, GRCh38 coordinates, 1-based), cytogenetic band 9p24.3-13.1.
Identifiers: ClinVar variation 160921 (VCV000160921.1).